The following is an entry in ClinVar:

ClinVar aggregate classification (germline): Uncertain significance. Review status: criteria provided, multiple submitters, no conflicts (2 of 4 stars). 2 submissions from 2 submitters: Uncertain significance (2). Last evaluated 2025-08-24.

Conditions:
Inborn genetic diseases. Identifiers: MedGen C0950123, MeSH D030342.
Primary ciliary dyskinesia. Also called: Ciliary dyskinesia. Identifiers: Orphanet 244, MedGen C0008780, MONDO:0016575, HP:0012265.

Allele frequency attached by ClinVar (database versions not stated): gnomAD 0.00006 and 0.00007; gnomAD exomes 0.00012; ExAC 0.00015; TOPMed 0.00015.
gnomAD v4.1: 109 of 1,601,702 alleles (0.0068%); highest among the groups gnomAD compares: South Asian, 0.053%; no homozygotes.

Submissions (2):

Ambry Genetics
Classification: Uncertain significance for Inborn genetic diseases. Last evaluated: 2025-08-24. Review status: criteria provided, single submitter. Criteria: Ambry Variant Classification Scheme 2023. Collection method: clinical testing. Allele origin: germline.

Labcorp Genetics (formerly Invitae), Labcorp
Classification: Uncertain significance for Primary ciliary dyskinesia. Last evaluated: 2022-08-19. Review status: criteria provided, single submitter. Criteria: Invitae Variant Classification Sherloc (09022015). Collection method: clinical testing. Allele origin: germline.
Comment: This sequence change replaces threonine, which is neutral and polar, with methionine, which is neutral and non-polar, at codon 231 of the RSPH1 protein (p.Thr231Met). This variant is present in population databases (rs778123315, gnomAD 0.04%). This variant has not been reported in the literature in individuals affected with RSPH1-related conditions. ClinVar contains an entry for this variant (Variation ID: 454947). Algorithms developed to predict the effect of missense changes on protein structure and function are either unavailable or do not agree on the potential impact of this missense change (SIFT: "Deleterious"; PolyPhen-2: "Benign"; Align-GVGD: "Class C0"). In summary, the available evidence is currently insufficient to determine the role of this variant in disease. Therefore, it has been classified as a Variant of Uncertain Significance.

NM_080860.4(RSPH1):c.692C>T (p.Thr231Met)

Gene: RSPH1 (radial spoke head component 1; minus strand). Cytogenetic location: 21q22.3.
Variant type: single nucleotide variant.
Coding change: c.692C>T on transcript NM_080860.4 (MANE Select); coding-DNA position 692, C replaced by T.
Protein change: p.Thr231Met; replaces threonine 231 with methionine.
Molecular consequence: missense variant.
Genome position (GRCh38, 1-based): chr21:42,477,326, G>A on the plus strand (C>T on the coding strand, the complement: RSPH1 is on the minus strand). VCF-style: chr21-42477326-G-A. GRCh37 (hg19) VCF-style: chr21-43897436-G-A.
Other names: c.578C>T, p.Thr193Met (NM_001286506.2); c.692C>T (NM_080860.2); short protein forms T231M, T193M.
Identifiers: ClinVar variation 454947 (VCV000454947.11), dbSNP rs778123315, ClinGen allele CA10043831.
Genomic context (GRCh38, chr21:42,477,326, plus strand): 5'-CCCACAGCCCGGGGGTGCCCCACACTCTCAGCTCCTGGAGCGTCTTGGCCAGGTCCATCC[G>A]TAGAGGTCGGCTTTTTGGGGAGAGTTGGTGTCCACAGGGCCAATTCAGTGATTTGGGTAG-3'
Protein context (NP_543136.1, residues 221-241): TPTLPKKPTS[Thr231Met]DGPGQDAPGA